The following is an entry in ClinVar:

ClinVar aggregate classification (germline): Uncertain significance. Review status: criteria provided, multiple submitters, no conflicts (2 of 4 stars). 2 submissions from 2 submitters: Uncertain significance (2). Last evaluated 2024-12-22.

Conditions:
MKKS-related disorder. Also called: MKKS-related disorders; MKKS-related condition.
Bardet-Biedl syndrome (BBS). Identifiers: Orphanet 110, MedGen C0752166, MONDO:0015229.
McKusick-Kaufman syndrome (MKKS). Also called: HYDROMETROCOLPOS SYNDROME; HYDROMETROCOLPOS, POSTAXIAL POLYDACTYLY, AND CONGENITAL HEART MALFORMATION. Identifiers: Orphanet 2473, MedGen C0948368, MONDO:0009367, OMIM 236700.

Allele frequency attached by ClinVar (database versions not stated): gnomAD exomes below 0.00001; ExAC 0.00002.
gnomAD v4.1: 5 of 1,614,186 alleles (0.00031%); highest among the groups gnomAD compares: Non-Finnish European, 0.00042%; no homozygotes.

Submissions (2):

PreventionGenetics, part of Exact Sciences
Classification: Uncertain significance for MKKS-related condition. Last evaluated: 2024-12-22. Review status: criteria provided, single submitter. Criteria: ACMG Guidelines, 2015. Collection method: clinical testing. Allele origin: germline.
Comment: The MKKS c.334A>T variant is predicted to result in the amino acid substitution p.Thr112Ser. To our knowledge, this variant has not been reported in the literature. This variant is reported in 0.0018% of alleles in individuals of European (Non-Finnish) descent in gnomAD. At this time, the clinical significance of this variant is uncertain due to the absence of conclusive functional and genetic evidence.

Labcorp Genetics (formerly Invitae), Labcorp
Classification: Uncertain significance for McKusick-Kaufman syndrome; Bardet-Biedl syndrome. Last evaluated: 2024-02-24. Review status: criteria provided, single submitter. Criteria: Invitae Variant Classification Sherloc (09022015). Collection method: clinical testing. Allele origin: germline.
Comment: This sequence change replaces threonine, which is neutral and polar, with serine, which is neutral and polar, at codon 112 of the MKKS protein (p.Thr112Ser). This variant is present in population databases (rs749216339, gnomAD 0.002%). This variant has not been reported in the literature in individuals affected with MKKS-related conditions. ClinVar contains an entry for this variant (Variation ID: 2192420). Algorithms developed to predict the effect of missense changes on protein structure and function output the following: SIFT: "Not Available"; PolyPhen-2: "Benign"; Align-GVGD: "Not Available". The serine amino acid residue is found in multiple mammalian species, which suggests that this missense change does not adversely affect protein function. In summary, the available evidence is currently insufficient to determine the role of this variant in disease. Therefore, it has been classified as a Variant of Uncertain Significance.

NM_170784.3(MKKS):c.334A>T (p.Thr112Ser)

Gene: MKKS (MKKS centrosomal shuttling protein; minus strand). Cytogenetic location: 20p12.2.
Variant type: single nucleotide variant.
Coding change: c.334A>T on transcript NM_170784.3 (MANE Select); coding-DNA position 334, A replaced by T.
Protein change: p.Thr112Ser; replaces threonine 112 with serine.
Molecular consequence: missense variant.
Genome position (GRCh38, 1-based): chr20:10,413,181, T>A on the plus strand (A>T on the coding strand, the complement: MKKS is on the minus strand). VCF-style: chr20-10413181-T-A. GRCh37 (hg19) VCF-style: chr20-10393829-T-A.
Other names: c.334A>T, p.Thr112Ser (NM_018848.3); short protein forms T112S.
Identifiers: ClinVar variation 2192420 (VCV002192420.5), dbSNP rs749216339, ClinGen allele CA9763704.